The following is an entry in ClinVar:

NM_006618.5(KDM5B):c.2076T>G (p.Cys692Trp)

Gene: KDM5B (lysine demethylase 5B; minus strand). Cytogenetic location: 1q32.1.
Variant type: single nucleotide variant.
Coding change: c.2076T>G on transcript NM_006618.5 (MANE Select); coding-DNA position 2076, T replaced by G.
Protein change: p.Cys692Trp; replaces cysteine 692 with tryptophan.
Molecular consequence: missense variant.
Genome position (GRCh38, 1-based): chr1:202,746,264, A>C on the plus strand (T>G on the coding strand, the complement: KDM5B is on the minus strand). VCF-style: chr1-202746264-A-C. GRCh37 (hg19) VCF-style: chr1-202715392-A-C.
Other names: c.2184T>G, p.Cys728Trp (NM_001314042.2); c.1941T>G, p.Cys647Trp (NM_001347591.2); c.2061T>G, p.Cys687Trp (NM_001399817.1); short protein forms C647W, C687W, C692W, C728W.
Identifiers: ClinVar variation 3252192 (VCV003252192.1), dbSNP rs2527486978.

ClinVar aggregate classification (germline): Uncertain significance (1 of 4 stars; one submission).

Submission:

GeneDx
Classification: Uncertain significance. Last evaluated: 2023-12-05. Review status: criteria provided, single submitter. Criteria: GeneDx Variant Classification Process June 2021. Collection method: clinical testing. Allele origin: germline. Affected: yes.
Comment: Not observed at significant frequency in large population cohorts (gnomAD); In silico analysis supports that this missense variant has a deleterious effect on protein structure/function; Has not been previously published as pathogenic or benign to our knowledge